The following is an entry in ClinVar:

NM_001040716.2(PC):c.1604-17G>A

Gene: PC (pyruvate carboxylase; minus strand). Cytogenetic location: 11q13.2.
Variant type: single nucleotide variant.
Coding change: c.1604-17G>A on transcript NM_001040716.2 (MANE Select); 17 bases into the intron before coding-DNA position 1604, G replaced by A.
Molecular consequence: intron variant.
Genome position (GRCh38, 1-based): chr11:66,852,677, C>T on the plus strand (G>A on the coding strand, the complement: PC is on the minus strand). VCF-style: chr11-66852677-C-T. GRCh37 (hg19) VCF-style: chr11-66620148-C-T.
Other names: c.1604-17G>A (NM_000920.4, NM_022172.3).
Identifiers: ClinVar variation 510594 (VCV000510594.11), dbSNP rs79317761, ClinGen allele CA6131318.
Genomic context (GRCh38, chr11:66,852,677, plus strand): 5'-CCCCTCTCGCAGCAGGATGTCTCTGAAACCAGCCGGGGGCGGGCCTAGGGTAGACAGGGG[C>T]ATTGGTGCCCATCCTGCAGGTGGCAACCTCCTGTCTCCCCCATGAGTTGACAGAATGGAT-3'

ClinVar aggregate classification (germline): Benign/Likely benign. Review status: criteria provided, multiple submitters, no conflicts (2 of 4 stars). 3 submissions from 3 submitters: Benign (1); Likely benign (2). Last evaluated 2026-01-25.

Conditions:
Pyruvate carboxylase deficiency. Also called: Pyruvate Carboxylase Deficiency Disease; PC DEFICIENCY; ATAXIA WITH LACTIC ACIDOSIS II; LEIGH NECROTIZING ENCEPHALOPATHY DUE TO PYRUVATE CARBOXYLASE DEFICIENCY; LEIGH SYNDROME DUE TO PYRUVATE CARBOXYLASE DEFICIENCY. Identifiers: Orphanet 3008, MedGen C0034341, MONDO:0009949, OMIM 266150.

Allele frequency attached by ClinVar (database versions not stated): gnomAD exomes 0.00008 and 0.00023; ExAC 0.00031; gnomAD 0.00096 and 0.00103; ESP Exome Variant Server 0.00100; TOPMed 0.00100; 1000 Genomes Project 0.00120; 1000 Genomes Project 30x 0.00125.
gnomAD v4.1: 267 of 1,612,318 alleles (0.017%); highest among the groups gnomAD compares: African/African-American, 0.34%; no homozygotes.

Submissions (3):

Labcorp Genetics (formerly Invitae), Labcorp
Classification: Benign for Pyruvate carboxylase deficiency. Last evaluated: 2026-01-25. Review status: criteria provided, single submitter. Criteria: Invitae Variant Classification Sherloc (09022015). Collection method: clinical testing. Allele origin: germline.

Blueprint Genetics
Classification: Likely benign. Last evaluated: 2024-08-28. Review status: criteria provided, single submitter. Criteria: ACMG Guidelines, 2015. Collection method: clinical testing. Allele origin: germline.

GeneDx
Classification: Likely benign. Last evaluated: 2017-07-10. Review status: criteria provided, single submitter. Criteria: GeneDx Variant Classification (06012015). Collection method: clinical testing. Allele origin: germline. Affected: yes.
Comment: This variant is considered likely benign or benign based on one or more of the following criteria: it is a conservative change, it occurs at a poorly conserved position in the protein, it is predicted to be benign by multiple in silico algorithms, and/or has population frequency not consistent with disease.